The following is an entry in ClinVar:

NM_000321.3(RB1):c.898A>C (p.Met300Leu)

Gene: RB1 (RB transcriptional corepressor 1; plus strand). Cytogenetic location: 13q14.2.
Variant type: single nucleotide variant.
Coding change: c.898A>C on transcript NM_000321.3 (MANE Select); coding-DNA position 898, A replaced by C.
Protein change: p.Met300Leu; replaces methionine 300 with leucine.
Molecular consequence: missense variant.
Genome position (GRCh38, 1-based): chr13:48,364,930, A>C. VCF-style: chr13-48364930-A-C. GRCh37 (hg19) VCF-style: chr13-48939066-A-C.
Other names: short protein forms M300L.
Identifiers: ClinVar variation 410938 (VCV000410938.18), dbSNP rs1060503086, ClinGen allele CA16614038.
Genomic context (GRCh38, chr13:48,364,930, plus strand): 5'-ATGTTGTAACTTCATCTTTTTCAGGTGAAAAATGTTTATTTCAAAAATTTTATACCTTTT[A>C]TGAATTCTCTTGGACTTGTAACATCTAATGGACTTCCAGAGGTAATCTGAAAGGAAATTT-3'
Protein context (NP_000312.2, residues 290-310): NVYFKNFIPF[Met300Leu]NSLGLVTSNG

ClinVar aggregate classification (germline): Conflicting classifications of pathogenicity. Review status: criteria provided, conflicting classifications (1 of 4 stars). 6 submissions from 6 submitters: Uncertain significance (4); Benign (2). Last evaluated 2026-01-19.

Conditions:
Retinoblastoma (RB1). Also called: RETINOBLASTOMA, SOMATIC. Identifiers: Orphanet 790, MedGen C0035335, MeSH D012175, MONDO:0008380, OMIM 180200, HP:0009919. Disease mechanism: loss of function. Inheritance: Both sporadic and heritable forms are tested..
Hereditary cancer-predisposing syndrome. Also called: Tumor predisposition; Hereditary Cancer Syndrome; Hereditary neoplastic syndrome; Neoplastic Syndromes, Hereditary. Identifiers: Orphanet 140162, MedGen C0027672, MeSH D009386, MONDO:0015356.

Allele frequency attached by ClinVar (database versions not stated): gnomAD 0.00001; gnomAD exomes 0.00001; TOPMed 0.00001.
gnomAD v4.1: 7 of 1,569,126 alleles (0.00045%); highest among the groups gnomAD compares: African/African-American, 0.0027%; no homozygotes.

Submissions (6):

Labcorp Genetics (formerly Invitae), Labcorp
Classification: Benign for Retinoblastoma. Last evaluated: 2026-01-19. Review status: criteria provided, single submitter. Criteria: Invitae Variant Classification Sherloc (09022015). Collection method: clinical testing. Allele origin: germline.

GeneDx
Classification: Uncertain significance. Last evaluated: 2024-09-01. Review status: criteria provided, single submitter. Criteria: GeneDx Variant Classification Process June 2021. Collection method: clinical testing. Allele origin: germline. Affected: yes.
Comment: Not observed at significant frequency in large population cohorts (gnomAD); In silico analysis indicates that this missense variant does not alter protein structure/function; Has not been previously published as pathogenic or benign to our knowledge; This variant is associated with the following publications: (PMID: 23516486)

St. Jude Molecular Pathology, St. Jude Children's Research Hospital
Classification: Uncertain significance for Retinoblastoma. Last evaluated: 2024-07-18. Review status: criteria provided, single submitter. Criteria: St. Jude Assertion Criteria 2020. Collection method: clinical testing. Allele origin: germline. Affected: no.
Comment: The RB1 c.898A>C (p.Met300Leu) missense change has a maximum subpopulation frequency of 0.009% in gnomAD v2.1.1. The in silico tool REVEL predicts a benign effect on protein function, but to our knowledge this prediction has not been confirmed by functional studies. To our knowledge, this variant has not been reported in individuals with retinoblastoma. In summary, the evidence currently available is insufficient to determine the clinical significance of this variant. It has therefore been classified as of uncertain significance.

Ambry Genetics
Classification: Benign for Hereditary cancer-predisposing syndrome. Last evaluated: 2024-04-25. Review status: criteria provided, single submitter. Criteria: Ambry Variant Classification Scheme 2023. Collection method: clinical testing. Allele origin: germline.

Color Diagnostics, LLC DBA Color Health
Classification: Uncertain significance for Retinoblastoma. Last evaluated: 2024-03-06. Review status: criteria provided, single submitter. Criteria: ACMG Guidelines, 2015. Collection method: clinical testing. Allele origin: germline.
Comment: This missense variant replaces methionine with leucine at codon 300 of the RB1 protein. Computational prediction suggests that this variant may not impact protein structure and function. To our knowledge, functional studies have not been reported for this variant. This variant has not been reported in individuals affected with RB1-related disorders in the literature. This variant has been identified in 1/193920 chromosomes in the general population by the Genome Aggregation Database (gnomAD). The available evidence is insufficient to determine the role of this variant in disease conclusively. Therefore, this variant is classified as a Variant of Uncertain Significance.

All of Us Research Program, National Institutes of Health
Classification: Uncertain significance for Retinoblastoma. Last evaluated: 2023-12-13. Review status: criteria provided, single submitter. Criteria: ACMG Guidelines, 2015. Collection method: clinical testing. Allele origin: germline. Inheritance: Autosomal dominant inheritance. Observed: 4 variant alleles, 4 heterozygotes.
Comment: This missense variant replaces methionine with leucine at codon 300 of the RB1 protein. Computational prediction suggests that this variant may not impact protein structure and function (internally defined REVEL score threshold <= 0.5, PMID: 27666373). To our knowledge, functional studies have not been reported for this variant. This variant has not been reported in individuals affected with RB1-related disorders in the literature. This variant has been identified in 1/193920 chromosomes in the general population by the Genome Aggregation Database (gnomAD). The available evidence is insufficient to determine the role of this variant in disease conclusively. Therefore, this variant is classified as a Variant of Uncertain Significance.

This study involves interpretation of variants in research participants for the purpose of population health screening. Participant phenotype was not available at the time of variant classification. Additional details can be found in publication PMID: 35346344, PMCID: PMC8962531